The following is an entry in ClinVar:

NM_000043.6(FAS):c.976A>C (p.Asn326His)

Gene: FAS (Fas cell surface death receptor; plus strand). Cytogenetic location: 10q23.31.
Variant type: single nucleotide variant.
Coding change: c.976A>C on transcript NM_000043.6 (MANE Select); coding-DNA position 976, A replaced by C.
Protein change: p.Asn326His; replaces asparagine 326 with histidine.
Molecular consequence: missense variant. On other transcripts: 3 prime UTR variant (2), non-coding transcript variant (7).
Genome position (GRCh38, 1-based): chr10:89,014,418, A>C. VCF-style: chr10-89014418-A-C. GRCh37 (hg19) VCF-style: chr10-90774175-A-C.
Other names: c.*299A>C (NM_001320619.2); c.913A>C, p.Asn305His (NM_152871.4); c.*288A>C (NM_152872.4); short protein forms N305H, N326H.
Identifiers: ClinVar variation 1363104 (VCV001363104.6), dbSNP rs770595930, ClinGen allele CA5593244.
Genomic context (GRCh38, chr10:89,014,418, plus strand): 5'-CTTGCAGAGAAAATTCAGACTATCATCCTCAAGGACATTACTAGTGACTCAGAAAATTCA[A>C]ACTTCAGAAATGAAATCCAAAGCTTGGTCTAGAGTGAAAAACAACAAATTCAGTTCTGAG-3'
Protein context (NP_000034.1, residues 316-335): KDITSDSENS[Asn326His]FRNEIQSLV

ClinVar aggregate classification (germline): Uncertain significance (1 of 4 stars; one submission).

Conditions:
Autoimmune lymphoproliferative syndrome type 1. Also called: AUTOIMMUNE LYMPHOPROLIFERATIVE SYNDROME, TYPE I, AUTOSOMAL DOMINANT. Identifiers: Orphanet 3261, MedGen C2717884, MONDO:0011158, OMIM 601859.

Allele frequency attached by ClinVar (database versions not stated): gnomAD 0.00003.
gnomAD v4.1: 65 of 1,611,740 alleles (0.004%); highest among the groups gnomAD compares: Non-Finnish European, 0.0049%; no homozygotes.

Submission:

Labcorp Genetics (formerly Invitae), Labcorp
Classification: Uncertain significance for Autoimmune lymphoproliferative syndrome. Last evaluated: 2025-12-31. Review status: criteria provided, single submitter. Criteria: Invitae Variant Classification Sherloc (09022015). Collection method: clinical testing. Allele origin: germline.
Comment: This sequence change replaces asparagine, which is neutral and polar, with histidine, which is basic and polar, at codon 326 of the FAS protein (p.Asn326His). This variant is present in population databases (rs770595930, gnomAD 0.007%). This variant has not been reported in the literature in individuals affected with FAS-related conditions. ClinVar contains an entry for this variant (Variation ID: 1363104). An algorithm developed to predict the effect of missense changes on protein structure and function (PolyPhen-2) suggests that this variant is likely to be disruptive. In summary, the available evidence is currently insufficient to determine the role of this variant in disease. Therefore, it has been classified as a Variant of Uncertain Significance.